The following is an entry in ClinVar:

ClinVar aggregate classification (germline): Uncertain significance (1 of 4 stars; one submission).

gnomAD v4.1: 6 of 1,613,918 alleles (0.00037%); highest among the groups gnomAD compares: Non-Finnish European, 0.00051%; no homozygotes.

Submission:

Labcorp Genetics (formerly Invitae), Labcorp
Classification: Uncertain significance. Last evaluated: 2024-10-16. Review status: criteria provided, single submitter. Criteria: Invitae Variant Classification Sherloc (09022015). Collection method: clinical testing. Allele origin: germline.
Comment: This sequence change replaces asparagine, which is neutral and polar, with aspartic acid, which is acidic and polar, at codon 1746 of the COL11A1 protein (p.Asn1746Asp). This variant is present in population databases (rs745431051, gnomAD 0.0009%). This variant has not been reported in the literature in individuals affected with COL11A1-related conditions. Invitae Evidence Modeling of protein sequence and biophysical properties (such as structural, functional, and spatial information, amino acid conservation, physicochemical variation, residue mobility, and thermodynamic stability) indicates that this missense variant is not expected to disrupt COL11A1 protein function with a negative predictive value of 80%. In summary, the available evidence is currently insufficient to determine the role of this variant in disease. Therefore, it has been classified as a Variant of Uncertain Significance.

NM_001854.4(COL11A1):c.5236A>G (p.Asn1746Asp)

Genes: COL11A1 (collagen type XI alpha 1 chain; minus strand), LOC126805814 (P300/CBP strongly-dependent group 1 enhancer GRCh37_chr1:103344928-103346127; plus strand). Cytogenetic location: 1p21.1.
Variant type: single nucleotide variant.
Coding change: c.5236A>G on transcript NM_001854.4 (MANE Select); coding-DNA position 5236, A replaced by G.
Protein change: p.Asn1746Asp; replaces asparagine 1746 with aspartic acid.
Molecular consequence: missense variant. On other transcripts: non-coding transcript variant (1).
Genome position (GRCh38, 1-based): chr1:102,879,721, T>C on the plus strand (A>G on the coding strand, the complement: COL11A1 is on the minus strand). VCF-style: chr1-102879721-T-C. GRCh37 (hg19) VCF-style: chr1-103345277-T-C.
Other names: c.5119A>G, p.Asn1707Asp (NM_001190709.2); c.5272A>G, p.Asn1758Asp (NM_080629.3); c.4888A>G, p.Asn1630Asp (NM_080630.4); short protein forms N1630D, N1707D, N1758D, N1746D.
Identifiers: ClinVar variation 3698243 (VCV003698243.2).
Genomic context (GRCh38, chr1:102,879,721, plus strand): 5'-GACAAGCAGAACTTATACTCACCGCACAACCATCATACAGTGTTTTGATAAAAGGATTAT[T>C]GTCATAGGACATCTCCTCATCATTTGATCCCAGGAAGCGAAGTGCTTTGTCATAACTTCC-3'
Protein context (NP_001845.3, residues 1736-1756): GSNDEEMSYD[Asn1746Asp]NPFIKTLYDG